The following is an entry in ClinVar:

ClinVar aggregate classification (germline): Uncertain significance (1 of 4 stars; one submission).

Allele frequency attached by ClinVar (database versions not stated): gnomAD exomes below 0.00001; gnomAD 0.00001.
gnomAD v4.1: 6 of 1,613,782 alleles (0.00037%); highest among the groups gnomAD compares: South Asian, 0.0066%; no homozygotes.

Submission:

Labcorp Genetics (formerly Invitae), Labcorp
Classification: Uncertain significance. Last evaluated: 2022-12-07. Review status: criteria provided, single submitter. Criteria: Invitae Variant Classification Sherloc (09022015). Collection method: clinical testing. Allele origin: germline.
Comment: In summary, the available evidence is currently insufficient to determine the role of this variant in disease. Therefore, it has been classified as a Variant of Uncertain Significance. Algorithms developed to predict the effect of sequence changes on RNA splicing suggest that this variant may create or strengthen a splice site. This variant has not been reported in the literature in individuals affected with DSG1-related conditions. This variant is present in population databases (no rsID available, gnomAD 0.003%). This sequence change affects codon 684 of the DSG1 mRNA. It is a 'silent' change, meaning that it does not change the encoded amino acid sequence of the DSG1 protein.

NM_001942.4(DSG1):c.2052T>C (p.Cys684=)

Genes: DSG1 (desmoglein 1; plus strand), DSG1-AS1 (DSG1 antisense RNA 1; minus strand). Cytogenetic location: 18q12.1.
Variant type: single nucleotide variant.
Coding change: c.2052T>C on transcript NM_001942.4 (MANE Select); coding-DNA position 2052, T replaced by C.
Protein change: p.Cys684=; no amino-acid change (cysteine 684 retained).
Molecular consequence: synonymous variant.
Genome position (GRCh38, 1-based): chr18:31,346,150, T>C. VCF-style: chr18-31346150-T-C. GRCh37 (hg19) VCF-style: chr18-28926113-T-C.
Identifiers: ClinVar variation 2817137 (VCV002817137.3), dbSNP rs1261902152, ClinGen allele CA503597033.
Genomic context (GRCh38, chr18:31,346,150, plus strand): 5'-AATGCCTGAGATATGTCAAGAATACTCTGGAACATTAAGAAGAAATTCTATGAGGGAATG[T>C]AGAGAAGGAGGTCTGAATATGAATTTCATGGAAAGCTACTTCTGTCAGGTAAGGTCCCTA-3'
Protein context (NP_001933.2, residues 674-694): GTLRRNSMRE[Cys684=]REGGLNMNFM